The following is an entry in ClinVar:

ClinVar aggregate classification (germline): Pathogenic (1 of 4 stars; one submission).

Conditions:
Marfan syndrome (MFS). Also called: MARFAN SYNDROME, TYPE I; Marfan syndrome type 1; Marfan's syndrome; Marfan syndrome, classic; FBN1-Related Marfan Syndrome. Identifiers: Orphanet 284963, Orphanet 558, MedGen C0024796, MONDO:0007947, OMIM 154700.
Familial thoracic aortic aneurysm and aortic dissection (TAAD). Also called: Thoracic aortic aneurysms and dissections. Identifiers: Orphanet 91387, MedGen C4707243, MONDO:0019625.

Submission:

Labcorp Genetics (formerly Invitae), Labcorp
Classification: Pathogenic for Marfan syndrome; Familial thoracic aortic aneurysm and aortic dissection. Last evaluated: 2024-05-21. Review status: criteria provided, single submitter. Criteria: Invitae Variant Classification Sherloc (09022015). Collection method: clinical testing. Allele origin: germline.
Comment: This sequence change affects an acceptor splice site in intron 43 of the FBN1 gene. It is expected to disrupt RNA splicing. Variants that disrupt the donor or acceptor splice site typically lead to a loss of protein function (PMID: 16199547), and loss-of-function variants in FBN1 are known to be pathogenic (PMID: 17657824, 19293843). This variant is not present in population databases (gnomAD no frequency). Disruption of this splice site has been observed in individuals with Marfan syndrome (PMID: 31830381; Invitae). Algorithms developed to predict the effect of sequence changes on RNA splicing suggest that this variant may disrupt the consensus splice site. For these reasons, this variant has been classified as Pathogenic.

Literature cited by the submitters: PubMed 16199547; PubMed 17657824; PubMed 19293843; PubMed 31830381.

NM_000138.5(FBN1):c.5297-1G>T

Gene: FBN1 (fibrillin 1; minus strand). Cytogenetic location: 15q21.1.
Variant type: single nucleotide variant.
Coding change: c.5297-1G>T on transcript NM_000138.5 (MANE Select); the canonical splice acceptor site of the intron before coding-DNA position 5297, G replaced by T.
Molecular consequence: splice acceptor variant.
Genome position (GRCh38, 1-based): chr15:48,456,763, C>A on the plus strand (G>T on the coding strand, the complement: FBN1 is on the minus strand). VCF-style: chr15-48456763-C-A. GRCh37 (hg19) VCF-style: chr15-48748960-C-A.
Other names: c.5297-1G>T (NM_001406716.1).
Identifiers: ClinVar variation 3763161 (VCV003763161.2).
Genomic context (GRCh38, chr15:48,456,763, plus strand): 5'-CCATGTTGATACACACTCCATTTTCACAGACCCCTGGGATCTCCCGGCACTCATCAATAT[C>A]TAGAGACAGAGTAGTCATTCATGAGTGACAGGACAGCACATGATCCCTGTGCAGGGTAAG-3'